The following is an entry in ClinVar:

NM_006129.5(BMP1):c.86C>A (p.Thr29Asn)

Genes: BMP1 (bone morphogenetic protein 1; plus strand), LOC129999976 (ATAC-STARR-seq lymphoblastoid silent region 18982; plus strand). Cytogenetic location: 8p21.3.
Variant type: single nucleotide variant.
Coding change: c.86C>A on transcript NM_006129.5 (MANE Select); coding-DNA position 86, C replaced by A.
Protein change: p.Thr29Asn; replaces threonine 29 with asparagine.
Molecular consequence: missense variant. On other transcripts: non-coding transcript variant (2).
Genome position (GRCh38, 1-based): chr8:22,165,491, C>A. VCF-style: chr8-22165491-C-A. GRCh37 (hg19) VCF-style: chr8-22023004-C-A.
Other names: c.86C>A, p.Thr29Asn (NM_001199.4); c.86C>A (NM_006129.4); short protein forms T29N.
Identifiers: ClinVar variation 1506549 (VCV001506549.6), dbSNP rs2131830598, ClinGen allele CA370539821.

ClinVar aggregate classification (germline): Uncertain significance. Review status: criteria provided, multiple submitters, no conflicts (2 of 4 stars). 2 submissions from 2 submitters: Uncertain significance (2). Last evaluated 2022-06-24.

Conditions:
Inborn genetic diseases. Identifiers: MedGen C0950123, MeSH D030342.

Submissions (2):

Ambry Genetics
Classification: Uncertain significance for Inborn genetic diseases. Last evaluated: 2022-06-24. Review status: criteria provided, single submitter. Criteria: Ambry Variant Classification Scheme 2023. Collection method: clinical testing. Allele origin: germline.

Labcorp Genetics (formerly Invitae), Labcorp
Classification: Uncertain significance. Last evaluated: 2021-09-24. Review status: criteria provided, single submitter. Criteria: Invitae Variant Classification Sherloc (09022015). Collection method: clinical testing. Allele origin: germline.
Comment: This sequence change replaces threonine with asparagine at codon 29 of the BMP1 protein (p.Thr29Asn). The threonine residue is highly conserved and there is a small physicochemical difference between threonine and asparagine. This variant is not present in population databases (ExAC no frequency). This variant has not been reported in the literature in individuals affected with BMP1-related conditions. Algorithms developed to predict the effect of missense changes on protein structure and function are either unavailable or do not agree on the potential impact of this missense change (SIFT: "Deleterious"; PolyPhen-2: "Benign"; Align-GVGD: "Class C0"). In summary, the available evidence is currently insufficient to determine the role of this variant in disease. Therefore, it has been classified as a Variant of Uncertain Significance.